The following is an entry in ClinVar:

ClinVar aggregate classification (germline): Benign/Likely benign. Review status: criteria provided, multiple submitters, no conflicts (2 of 4 stars). 5 submissions from 5 submitters: Benign (2); Likely benign (2). 1 of the submissions does not count toward it. Last evaluated 2025-12-28.

Conditions:
Ciliary dyskinesia, primary, 40. Also called: CILIARY DYSKINESIA, PRIMARY, 40, WITH OR WITHOUT SITUS INVERSUS. Identifiers: MedGen C4749028, MONDO:0032664, OMIM 618300.
DNAH9-related disorder. Also called: DNAH9-related condition.

Allele frequency attached by ClinVar (database versions not stated): ESP Exome Variant Server 0.00008; gnomAD 0.00011 and 0.00039; TOPMed 0.00020; gnomAD exomes 0.00072 and 0.00116; ExAC 0.00126; 1000 Genomes Project 30x 0.00234; 1000 Genomes Project 0.00240.
gnomAD v4.1: 1,116 of 1,614,194 alleles (0.069%); highest among the groups gnomAD compares: Middle Eastern, 1.1%; 14 homozygotes.

Submissions (5):

Labcorp Genetics (formerly Invitae), Labcorp
Classification: Benign. Last evaluated: 2025-12-28. Review status: criteria provided, single submitter. Criteria: Invitae Variant Classification Sherloc (09022015). Collection method: clinical testing. Allele origin: germline.

Blueprint Genetics
Classification: Likely benign. Last evaluated: 2024-11-27. Review status: criteria provided, single submitter. Criteria: ACMG Guidelines, 2015. Collection method: clinical testing. Allele origin: germline.

Fulgent Genetics
Classification: Likely benign for Ciliary dyskinesia, primary, 40. Last evaluated: 2021-12-07. Review status: criteria provided, single submitter. Criteria: ACMG Guidelines, 2015. Collection method: clinical testing. Allele origin: unknown.

Breakthrough Genomics
Classification: Benign. Review status: criteria provided, single submitter. Criteria: ACMG Guidelines, 2015. Collection method: not provided. Allele origin: germline. Inheritance: Autosomal recessive inheritance. Affected: yes.

PreventionGenetics, part of Exact Sciences
Classification: Benign for DNAH9-related condition. Last evaluated: 2019-07-25. Review status: no assertion criteria provided. Collection method: clinical testing. Allele origin: germline. Not counted in ClinVar's aggregate classification.
Comment: This variant is classified as benign based on ACMG/AMP sequence variant interpretation guidelines (Richards et al. 2015 PMID: 25741868, with internal and published modifications).

NM_001372.4(DNAH9):c.10422A>G (p.Lys3474=)

Genes: DNAH9 (dynein axonemal heavy chain 9; plus strand), LOC101928350 (uncharacterized LOC101928350; minus strand). Cytogenetic location: 17p12.
Variant type: single nucleotide variant.
Coding change: c.10422A>G on transcript NM_001372.4 (MANE Select); coding-DNA position 10422, A replaced by G.
Protein change: p.Lys3474=; no amino-acid change (lysine 3474 retained).
Molecular consequence: synonymous variant.
Genome position (GRCh38, 1-based): chr17:11,875,128, A>G. VCF-style: chr17-11875128-A-G. GRCh37 (hg19) VCF-style: chr17-11778445-A-G.
Other names: c.10422A>G (NM_001372.3).
Identifiers: ClinVar variation 1600607 (VCV001600607.13), dbSNP rs372078743, ClinGen allele CA8397506.